The following is an entry in ClinVar:

NM_002691.4(POLD1):c.1711C>A (p.Pro571Thr)

Gene: POLD1 (DNA polymerase delta 1, catalytic subunit; plus strand). Cytogenetic location: 19q13.33.
Variant type: single nucleotide variant.
Coding change: c.1711C>A on transcript NM_002691.4 (MANE Select); coding-DNA position 1711, C replaced by A.
Protein change: p.Pro571Thr; replaces proline 571 with threonine.
Molecular consequence: missense variant. On other transcripts: non-coding transcript variant (1).
Genome position (GRCh38, 1-based): chr19:50,407,351, C>A. VCF-style: chr19-50407351-C-A. GRCh37 (hg19) VCF-style: chr19-50910608-C-A.
Other names: c.1711C>A, p.Pro571Thr (NM_001438213.1, NM_001438211.1, NM_001438212.1 and 3 more transcripts); short protein forms P571T.
Identifiers: ClinVar variation 4669051 (VCV004669051.1).
Genomic context (GRCh38, chr19:50,407,351, plus strand): 5'-TATACCCACTCCATTTCCCACCTTCTCCCCTCCCAGGCCATGCACGAGGGGCTGCTGATG[C>A]CCGTGGTGAAGTCAGAGGGCGGCGAGGACTACACGGGAGCCACTGTCATCGAGCCCCTCA-3'
Protein context (NP_002682.2, residues 561-581): RQAMHEGLLM[Pro571Thr]VVKSEGGEDY

ClinVar aggregate classification (germline): Uncertain significance (1 of 4 stars; one submission).

Conditions:
Hereditary cancer-predisposing syndrome. Also called: Neoplastic Syndromes, Hereditary; Tumor predisposition; Hereditary Cancer Syndrome; Hereditary neoplastic syndrome. Identifiers: Orphanet 140162, MedGen C0027672, MeSH D009386, MONDO:0015356.

Submission:

Ambry Genetics
Classification: Uncertain significance for Hereditary cancer-predisposing syndrome. Last evaluated: 2025-10-05. Review status: criteria provided, single submitter. Criteria: Ambry Variant Classification Scheme 2023. Collection method: clinical testing. Allele origin: germline.
Comment: The p.P571T variant (also known as c.1711C>A), located in coding exon 13 of the POLD1 gene, results from a C to A substitution at nucleotide position 1711. The proline at codon 571 is replaced by threonine, an amino acid with highly similar properties. This amino acid position is conserved. In addition, this alteration is predicted to be deleterious by in silico analysis. Based on the available evidence, the clinical significance of this variant remains unclear.